The following is an entry in ClinVar:

ClinVar aggregate classification (germline): Uncertain significance (1 of 4 stars; one submission).

Submission:

Greenwood Genetic Center Diagnostic Laboratories, Greenwood Genetic Center
Classification: Uncertain significance. Last evaluated: 2025-02-13. Review status: criteria provided, single submitter. Criteria: ACMG Guidelines, 2015. Collection method: clinical testing. Allele origin: germline.
Comment: PM2

NM_031407.7(HUWE1):c.8006-8T>C

Gene: HUWE1 (HECT, UBA and WWE domain containing E3 ubiquitin protein ligase 1; minus strand). Cytogenetic location: Xp11.22.
Variant type: single nucleotide variant.
Coding change: c.8006-8T>C on transcript NM_031407.7 (MANE Select); 8 bases into the intron before coding-DNA position 8006, T replaced by C.
Molecular consequence: intron variant.
Genome position (GRCh38, 1-based): chrX:53,558,817, A>G on the plus strand (T>C on the coding strand, the complement: HUWE1 is on the minus strand). VCF-style: chrX-53558817-A-G. GRCh37 (hg19) VCF-style: chrX-53585778-A-G.
Other names: c.8003-8T>C (NM_001441048.1, NM_001441051.1, NM_001441053.1 and 2 more transcripts); c.8006-8T>C (NM_001441049.1, NM_001441054.1, NM_001441057.1); c.8027-8T>C (NM_001441050.1, NM_001441055.1); c.7604-8T>C (NM_001441052.1).
Identifiers: ClinVar variation 4851679 (VCV004851679.1).